The following is an entry in ClinVar:

NM_000748.3(CHRNB2):c.1010T>G (p.Val337Gly)

Gene: CHRNB2 (cholinergic receptor nicotinic beta 2 subunit; plus strand). Cytogenetic location: 1q21.3.
Variant type: single nucleotide variant.
Coding change: c.1010T>G on transcript NM_000748.3 (MANE Select); coding-DNA position 1010, T replaced by G.
Protein change: p.Val337Gly; replaces valine 337 with glycine.
Molecular consequence: missense variant.
Genome position (GRCh38, 1-based): chr1:154,571,833, T>G. VCF-style: chr1-154571833-T-G. GRCh37 (hg19) VCF-style: chr1-154544309-T-G.
Other names: short protein forms V337G.
Identifiers: ClinVar variation 3391473 (VCV003391473.1).

ClinVar aggregate classification (germline): Likely pathogenic (1 of 4 stars; one submission).

Allele frequency attached by ClinVar (database versions not stated): TOPMed below 0.00001.

Submission:

GeneDx
Classification: Likely pathogenic. Last evaluated: 2024-06-17. Review status: criteria provided, single submitter. Criteria: GeneDx Variant Classification Process June 2021. Collection method: clinical testing. Allele origin: germline. Affected: yes.
Comment: Reported previously in a patient with nocturnal frontal lobe epilepsy and the variant was absent in a control group; however, segregation information was not provided (PMID: 21497487); Published functional studies demonstrate a damaging effect and show that this variant increases ACh induced currents and results in stabilization of the open state (PMID: 33657187, 26561946); Not observed at significant frequency in large population cohorts (gnomAD); In silico analysis indicates that this missense variant does not alter protein structure/function; This variant is associated with the following publications: (PMID: 26561946, 33657187, 21497487)